The following is an entry in ClinVar:

ClinVar aggregate classification (germline): Uncertain significance (1 of 4 stars; one submission).

Submission:

Ambry Genetics
Classification: Uncertain significance. Last evaluated: 2026-07-22. Review status: criteria provided, single submitter. Criteria: Ambry Variant Classification Scheme 2023. Collection method: clinical testing. Allele origin: germline.
Comment: The p.S245F variant (also known as c.734C>T), located in coding exon 6 of the GEN1 gene, results from a C to T substitution at nucleotide position 734. The serine at codon 245 is replaced by phenylalanine, an amino acid with highly dissimilar properties. This amino acid position is conserved. In addition, this alteration is predicted to be tolerated by in silico analysis. Based on the available evidence, the clinical significance of this variant remains unclear.

NM_001130009.3(GEN1):c.734C>T (p.Ser245Phe)

Gene: GEN1 (GEN1 structure-specific endonuclease; plus strand). Cytogenetic location: 2p24.2.
Variant type: single nucleotide variant.
Coding change: c.734C>T on transcript NM_001130009.3 (MANE Select); coding-DNA position 734, C replaced by T.
Protein change: p.Ser245Phe; replaces serine 245 with phenylalanine.
Molecular consequence: missense variant.
Genome position (GRCh38, 1-based): chr2:17,771,219, C>T. VCF-style: chr2-17771219-C-T. GRCh37 (hg19) VCF-style: chr2-17952486-C-T.
Other names: c.734C>T, p.Ser245Phe (NM_182625.5); short protein forms S245F.
Identifiers: ClinVar variation 5022308 (VCV005022308.1).
Genomic context (GRCh38, chr2:17,771,219, plus strand): 5'-TTTTTTTCCTTTTTTTAAAAACCACTTTCTATTAAAGGTTTAATCGGTGGAATGAAACAT[C>T]TTGTAACTCTAGTCCACAACTGCTAGTCACTAAAAAACTGGCTCATTGTTCCGTATGTTC-3'
Protein context (NP_001123481.3, residues 235-255): LQRFNRWNET[Ser245Phe]CNSSPQLLVT